The following is an entry in ClinVar:

ClinVar aggregate classification (germline): Uncertain significance. Review status: criteria provided, multiple submitters, no conflicts (2 of 4 stars). 2 submissions from 2 submitters: Uncertain significance (2). Last evaluated 2024-02-28.

Conditions:
Inborn genetic diseases. Identifiers: MedGen C0950123, MeSH D030342.
Sulfite oxidase deficiency. Also called: Isolated sulfite oxidase deficiency. Identifiers: Orphanet 833, Orphanet 99731, MedGen C0268624, MONDO:0010089, OMIM 272300, HP:0003643.

Allele frequency attached by ClinVar (database versions not stated): gnomAD exomes below 0.00001 and 0.00002; gnomAD 0.00001; TOPMed 0.00001; ExAC 0.00002.
gnomAD v4.1: 9 of 1,611,802 alleles (0.00056%); highest among the groups gnomAD compares: Admixed American, 0.0017%; no homozygotes.

Submissions (2):

Ambry Genetics
Classification: Uncertain significance for Inborn genetic diseases. Last evaluated: 2024-02-28. Review status: criteria provided, single submitter. Criteria: Ambry Variant Classification Scheme 2023. Collection method: clinical testing. Allele origin: germline.

Labcorp Genetics (formerly Invitae), Labcorp
Classification: Uncertain significance for Sulfite oxidase deficiency. Last evaluated: 2022-06-25. Review status: criteria provided, single submitter. Criteria: Invitae Variant Classification Sherloc (09022015). Collection method: clinical testing. Allele origin: germline.
Comment: This sequence change replaces tyrosine, which is neutral and polar, with cysteine, which is neutral and slightly polar, at codon 542 of the SUOX protein (p.Tyr542Cys). This variant is present in population databases (rs781086225, gnomAD 0.007%). This variant has not been reported in the literature in individuals affected with SUOX-related conditions. ClinVar contains an entry for this variant (Variation ID: 1007906). Algorithms developed to predict the effect of missense changes on protein structure and function (SIFT, PolyPhen-2, Align-GVGD) all suggest that this variant is likely to be tolerated. In summary, the available evidence is currently insufficient to determine the role of this variant in disease. Therefore, it has been classified as a Variant of Uncertain Significance.

NM_001032386.2(SUOX):c.1625A>G (p.Tyr542Cys)

Gene: SUOX (sulfite oxidase; plus strand). Cytogenetic location: 12q13.2.
Variant type: single nucleotide variant.
Coding change: c.1625A>G on transcript NM_001032386.2 (MANE Select); coding-DNA position 1625, A replaced by G.
Protein change: p.Tyr542Cys; replaces tyrosine 542 with cysteine.
Molecular consequence: missense variant.
Genome position (GRCh38, 1-based): chr12:56,005,014, A>G. VCF-style: chr12-56005014-A-G. GRCh37 (hg19) VCF-style: chr12-56398798-A-G.
Other names: c.1625A>G, p.Tyr542Cys (NM_000456.3, NM_001032387.2); c.1625A>G (NM_000456.2); short protein forms Y542C.
Identifiers: ClinVar variation 1007906 (VCV001007906.8), dbSNP rs781086225, ClinGen allele CA6621194.
Genomic context (GRCh38, chr12:56,005,014, plus strand): 5'-TGGCCCCAATCTGGAACCTGCGAGGTGTTCTCAGCAATGCCTGGCATCGTGTCCATGTCT[A>G]TGTCTCCCCATGAGCATGGAAAGGAGCCACCTCCACCCCTTTCCCCACCCATTAGCCTCA-3'
Protein context (NP_001027558.1, residues 532-545): LSNAWHRVHV[Tyr542Cys]VSP